The following is an entry in ClinVar:

ClinVar aggregate classification (germline): Benign/Likely benign. Review status: criteria provided, multiple submitters, no conflicts (2 of 4 stars). 4 submissions from 4 submitters: Benign (2); Likely benign (1). 1 of the submissions does not count toward it. Last evaluated 2025-12-22.

Conditions:
CTNNB1-related disorder. Also called: CTNNB1-related condition.

Allele frequency attached by ClinVar (database versions not stated): gnomAD exomes 0.00007 and 0.00020; ExAC 0.00026; 1000 Genomes Project 30x 0.00047; 1000 Genomes Project 0.00060; ESP Exome Variant Server 0.00062; gnomAD 0.00068 and 0.00076; TOPMed 0.00074.
gnomAD v4.1: 209 of 1,614,202 alleles (0.013%); highest among the groups gnomAD compares: African/African-American, 0.27%; 2 homozygotes.

Submissions (4):

Labcorp Genetics (formerly Invitae), Labcorp
Classification: Benign. Last evaluated: 2025-12-22. Review status: criteria provided, single submitter. Criteria: Invitae Variant Classification Sherloc (09022015). Collection method: clinical testing. Allele origin: germline.

Blueprint Genetics
Classification: Likely benign. Last evaluated: 2024-06-05. Review status: criteria provided, single submitter. Criteria: ACMG Guidelines, 2015. Collection method: clinical testing. Allele origin: germline.

GeneDx
Classification: Benign. Last evaluated: 2019-02-11. Review status: criteria provided, single submitter. Criteria: GeneDx Variant Classification Process June 2021. Collection method: clinical testing. Allele origin: germline. Affected: yes.

PreventionGenetics, part of Exact Sciences
Classification: Likely benign for CTNNB1-related condition. Last evaluated: 2024-04-16. Review status: no assertion criteria provided. Collection method: clinical testing. Allele origin: germline. Not counted in ClinVar's aggregate classification.
Comment: This variant is classified as likely benign based on ACMG/AMP sequence variant interpretation guidelines (Richards et al. 2015 PMID: 25741868, with internal and published modifications).

NM_001904.4(CTNNB1):c.1927T>C (p.Leu643=)

Gene: CTNNB1 (catenin beta 1; plus strand). Cytogenetic location: 3p22.1.
Variant type: single nucleotide variant.
Coding change: c.1927T>C on transcript NM_001904.4 (MANE Select); coding-DNA position 1927, T replaced by C.
Protein change: p.Leu643=; no amino-acid change (leucine 643 retained).
Molecular consequence: synonymous variant.
Genome position (GRCh38, 1-based): chr3:41,236,472, T>C. VCF-style: chr3-41236472-T-C. GRCh37 (hg19) VCF-style: chr3-41277963-T-C.
Other names: c.1927T>C, p.Leu643= (NM_001098209.2, NM_001098210.2); c.1906T>C, p.Leu636= (NM_001330729.2).
Identifiers: ClinVar variation 1168027 (VCV001168027.11), dbSNP rs141493100, ClinGen allele CA2331195.